The following is an entry in ClinVar:

NM_001354604.2(MITF):c.452A>C (p.His151Pro)

Gene: MITF (melanocyte inducing transcription factor; plus strand). Cytogenetic location: 3p13.
Variant type: single nucleotide variant.
Coding change: c.452A>C on transcript NM_001354604.2 (MANE Select); coding-DNA position 452, A replaced by C.
Protein change: p.His151Pro; replaces histidine 151 with proline.
Molecular consequence: missense variant. On other transcripts: intron variant (1).
Genome position (GRCh38, 1-based): chr3:69,937,919, A>C. VCF-style: chr3-69937919-A-C. GRCh37 (hg19) VCF-style: chr3-69987070-A-C.
Other names: c.131A>C, p.His44Pro (NM_000248.4, NM_001184968.2, NM_198158.3); c.296A>C, p.His99Pro (NM_001184967.2, NM_001354608.2); c.449A>C, p.His150Pro (NM_001354605.2, NM_001354606.2, NM_006722.3); c.401A>C, p.His134Pro (NM_001354607.2); c.452A>C, p.His151Pro (NM_198159.3); c.404A>C, p.His135Pro (NM_198177.3); c.93+38A>C (NM_198178.3); c.131A>C (NM_000248.3); short protein forms H135P, H44P, H99P, H134P, H151P, H150P.
Identifiers: ClinVar variation 666857 (VCV000666857.10), dbSNP rs1576004813, ClinGen allele CA353560465.
Genomic context (GRCh38, chr3:69,937,919, plus strand): 5'-TACAGCAAGCCCAACGGCAGCAGGTAAAGCAGTACCTTTCTACCACTTTAGCAAATAAAC[A>C]TGCCAACCAAGTCCTGAGCTTGCCATGTCCAAACCAGCCTGGCGATCATGTCATGCCACC-3'
Protein context (NP_001341533.1, residues 141-161): QYLSTTLANK[His151Pro]ANQVLSLPCP

ClinVar aggregate classification (germline): Uncertain significance. Review status: criteria provided, multiple submitters, no conflicts (2 of 4 stars). 5 submissions from 5 submitters: Uncertain significance (5). Last evaluated 2026-04-24.

Conditions:
Tietz syndrome (TADS). Also called: ALBINISM-DEAFNESS OF TIETZ; HYPOPIGMENTATION/DEAFNESS OF TIETZ; TIETZ ALBINISM-DEAFNESS SYNDROME. Identifiers: Orphanet 42665, MedGen C0391816, MONDO:0007077, OMIM 103500.
Waardenburg syndrome type 2A (WS2A). Also called: WAARDENBURG SYNDROME WITHOUT DYSTOPIA CANTHORUM. Identifiers: Orphanet 3440, MedGen C1860339, MONDO:0008671, OMIM 193510.
Melanoma, cutaneous malignant, susceptibility to, 8. Also called: MELANOMA AND RENAL CELL CARCINOMA, SUSCEPTIBILITY TO; Cutaneous malignant melanoma 8. Identifiers: Orphanet 293822, MedGen C3152204, MONDO:0013759, OMIM 614456.
Hereditary cancer-predisposing syndrome. Also called: Neoplastic Syndromes, Hereditary; Hereditary Cancer Syndrome; Tumor predisposition; Hereditary neoplastic syndrome. Identifiers: Orphanet 140162, MedGen C0027672, MeSH D009386, MONDO:0015356.

gnomAD v4.1: 9 of 1,614,152 alleles (0.00056%); highest among the groups gnomAD compares: Middle Eastern, 0.13%; no homozygotes.

Submissions (5):

GeneDx
Classification: Uncertain significance. Last evaluated: 2026-04-24. Review status: criteria provided, single submitter. Criteria: GeneDx Variant Classification Process June 2021. Collection method: clinical testing. Allele origin: germline.
Comment: Not observed at significant frequency in large population cohorts (gnomAD); In silico analysis suggests that this missense variant does not alter protein structure/function; Has not been previously published as pathogenic or benign to our knowledge

Labcorp Genetics (formerly Invitae), Labcorp
Classification: Uncertain significance for Melanoma, cutaneous malignant, susceptibility to, 8; Waardenburg syndrome type 2A; Tietz syndrome. Last evaluated: 2026-01-04. Review status: criteria provided, single submitter. Criteria: Invitae Variant Classification Sherloc (09022015). Collection method: clinical testing. Allele origin: germline.
Comment: This sequence change replaces histidine, which is basic and polar, with proline, which is neutral and non-polar, at codon 44 of the MITF protein (p.His44Pro). This variant is not present in population databases (gnomAD no frequency). This variant has not been reported in the literature in individuals affected with MITF-related conditions. ClinVar contains an entry for this variant (Variation ID: 666857). Invitae Evidence Modeling of protein sequence and biophysical properties (such as structural, functional, and spatial information, amino acid conservation, physicochemical variation, residue mobility, and thermodynamic stability) indicates that this missense variant is not expected to disrupt MITF protein function with a negative predictive value of 80%. In summary, the available evidence is currently insufficient to determine the role of this variant in disease. Therefore, it has been classified as a Variant of Uncertain Significance.

Ambry Genetics
Classification: Uncertain significance for Hereditary cancer-predisposing syndrome. Last evaluated: 2025-06-24. Review status: criteria provided, single submitter. Criteria: Ambry Variant Classification Scheme 2023. Collection method: clinical testing. Allele origin: germline.

Blueprint Genetics
Classification: Uncertain significance. Last evaluated: 2022-12-23. Review status: criteria provided, single submitter. Criteria: ACMG Guidelines, 2015. Collection method: clinical testing. Allele origin: germline.

Laboratory for Molecular Medicine, Mass General Brigham Personalized Medicine
Classification: Uncertain significance. Last evaluated: 2018-08-08. Review status: criteria provided, single submitter. Criteria: LMM Criteria. Collection method: clinical testing. Allele origin: germline. Observed: 1 variant allele.
Comment: The p.His151Pro variant in MITF has not been previously reported in individuals with hearing loss or Waardenburg syndrome and was absent from large population s tudies. Computational prediction tools and conservation analyses do not provide strong support for or against an impact to the protein. In summary, the clinica l significance of the p.His151Pro variant is uncertain. ACMG/AMP Criteria applie d: PM2.